The following continues an entry in ClinVar:

NM_000051.4(ATM):c.6807G>A (p.Gln2269=)

ClinVar aggregate classification (germline): Pathogenic. Pathogenic (1).

Submissions 10 to 13 of 13:

Department of Pathology and Laboratory Medicine, Sinai Health System
Classification: Likely pathogenic for ATM-related cancer predisposition. Last evaluated: 2023-11-09. Review status: criteria provided, single submitter. Criteria: ACMG Guidelines, 2015. Collection method: clinical testing. Allele origin: germline. Affected: no. Not counted in ClinVar's aggregate classification.

GeneDx
Classification: Likely pathogenic. Last evaluated: 2023-07-10. Review status: criteria provided, single submitter. Criteria: GeneDx Variant Classification Process June 2021. Collection method: clinical testing. Allele origin: germline. Not counted in ClinVar's aggregate classification.
Comment: Observed with a second pathogenic ATM variant in patients with ataxia-telangiectasia or ATM-related phenotypes in published literature, but it is not known whether the variants occurred on the same (in cis) allele or on opposite (in trans) alleles (Jackson et al., 2016; Schon et al., 2019); Not observed at significant frequency in large population cohorts (gnomAD); Identified in a patient with breast cancer in published literature (Decker et al., 2017); Located at the last nucleotide of the exon and demonstrated to result in abnormal splicing (External communication with Ambry); In silico analysis supports that this variant does not alter splicing; This variant is associated with the following publications: (PMID: 15928302, 28779002, 17576681, 26896183, 30549301)

Color Diagnostics, LLC DBA Color Health
Classification: Likely pathogenic for Hereditary cancer-predisposing syndrome. Last evaluated: 2023-01-09. Review status: criteria provided, single submitter. Criteria: ACMG Guidelines, 2015. Collection method: clinical testing. Allele origin: germline. Not counted in ClinVar's aggregate classification.
Comment: This synonymous variant substitutes the conserved G with A at the last nucleotide of exon 46 of the ATM gene. Splice site prediction tools suggest that this variant may have a significant impact on RNA splicing. RNA studies demonstrating abnormal splicing have been reported in ClinVar (ClinVar variation ID: 135775). This variant has been reported in trans with a pathogenic ATM truncation mutation in an individual affected with an attenuated form of ataxia telangiectasia (PMID: 30549301). The lymphoblastoid cell line derived from this individual has shown some normal ATM protein with residual kinase activity, which may be attributed to a leaky splice site mutation. This variant has also been reported in individuals affected with breast cancer (PMID: 28779002; Color internal data). This variant has not been identified in the general population by the Genome Aggregation Database (gnomAD). Based on the available evidence, this variant is classified as Likely Pathogenic.

Athena Diagnostics
Classification: Uncertain significance. Last evaluated: 2020-07-27. Review status: flagged submission. Criteria: Athena Diagnostics Criteria. Collection method: clinical testing. Allele origin: unknown. Not counted in ClinVar's aggregate classification.
ClinVar note: Notes: Although not quite an outlier and not that much older than the likely pathogenic/pathogenic claims, this uncertain significance claim does not have an evidence summary and specifically lacks multiple pieces of internal data supporting pathogenicity.
ClinVar note: Reason: Outlier claim with insufficient supporting evidence

Literature cited by the submitters: PubMed 28779002 (cited by 4 submitters); PubMed 30549301 (cited by 7 submitters); PubMed 17576681 (cited by Labcorp Genetics (formerly Invitae), Labcorp); PubMed 9536098 (cited by Labcorp Genetics (formerly Invitae), Labcorp).